The following is an entry in ClinVar:

NM_000297.4(PKD2):c.1096T>A (p.Trp366Arg)

Gene: PKD2 (polycystin 2, transient receptor potential cation channel; plus strand). Cytogenetic location: 4q22.1.
Variant type: single nucleotide variant.
Coding change: c.1096T>A on transcript NM_000297.4 (MANE Select); coding-DNA position 1096, T replaced by A.
Protein change: p.Trp366Arg; replaces tryptophan 366 with arginine.
Molecular consequence: missense variant. On other transcripts: non-coding transcript variant (1).
Genome position (GRCh38, 1-based): chr4:88,043,234, T>A. VCF-style: chr4-88043234-T-A. GRCh37 (hg19) VCF-style: chr4-88964386-T-A.
Other names: short protein forms W366R.
Identifiers: ClinVar variation 3068410 (VCV003068410.1), dbSNP rs2475915235, ClinGen allele CA357615328.
Genomic context (GRCh38, chr4:88,043,234, plus strand): 5'-ATTGCCTCAAGTGTTCCACTGATTGTAACTGTTTGTTTTTTGGTTTTGTTTTTAATCAGT[T>A]GGATCTACACAAGTGAAAAAGACTTGAATGGTAGTAGCCACTGGGGAATCATTGCAACTT-3'
Protein context (NP_000288.1, residues 356-376): APFGPRNGTA[Trp366Arg]IYTSEKDLNG

ClinVar aggregate classification (germline): Uncertain significance (1 of 4 stars; one submission).

Conditions:
Polycystic kidney disease 2 (PKD2). Also called: POLYCYSTIC KIDNEY DISEASE, ADULT, TYPE II; POLYCYSTIC KIDNEY DISEASE 2 WITH OR WITHOUT POLYCYSTIC LIVER DISEASE; Polycystic Kidney Disease 2, Autosomal Dominant. Identifiers: MedGen C2751306, MONDO:0013131, OMIM 613095.

Submission:

MVZ Medizinische Genetik Mainz
Classification: Uncertain significance for Polycystic kidney disease 2. Last evaluated: 2022-09-13. Review status: criteria provided, single submitter. Criteria: UK Practice Guidelines For Variant Classification V4 01 2020. Collection method: clinical testing. Allele origin: germline. Inheritance: Autosomal dominant inheritance. Affected: yes. Observed: 1 variant allele.
Comment: ACMG Criteria: PM2_SUP, PP3, PP4 (ACMG Version 4)